The following is an entry in ClinVar:

NM_001042432.2(CLN3):c.709C>T (p.Gln237Ter)

Gene: CLN3 (CLN3 lysosomal/endosomal transmembrane protein, battenin; minus strand). Cytogenetic location: 16p12.1.
Variant type: single nucleotide variant.
Coding change: c.709C>T on transcript NM_001042432.2 (MANE Select); coding-DNA position 709, C replaced by T.
Protein change: p.Gln237Ter; replaces glutamine 237 with a stop codon.
Molecular consequence: nonsense.
Genome position (GRCh38, 1-based): chr16:28,484,087, G>A on the plus strand (C>T on the coding strand, the complement: CLN3 is on the minus strand). VCF-style: chr16-28484087-G-A. GRCh37 (hg19) VCF-style: chr16-28495408-G-A.
Other names: c.709C>T, p.Gln237Ter (NM_000086.2); c.637C>T, p.Gln213Ter (NM_001286104.2); c.409C>T, p.Gln137Ter (NM_001286105.2); c.475C>T, p.Gln159Ter (NM_001286109.2); c.547C>T, p.Gln183Ter (NM_001286110.2); short protein forms Q159*, Q183*, Q213*, Q237*, Q137*.
Identifiers: ClinVar variation 1431853 (VCV001431853.6), dbSNP rs2141707084, ClinGen allele CA395344892.

ClinVar aggregate classification (germline): Pathogenic (1 of 4 stars; one submission).

Conditions:
Neuronal ceroid lipofuscinosis. Also called: Neuronal Ceroid Lipofuscinoses. Identifiers: Orphanet 216, Orphanet 79263, MedGen C0027877, MONDO:0016295. Disease mechanism: loss of function.

Submission:

Labcorp Genetics (formerly Invitae), Labcorp
Classification: Pathogenic for Neuronal ceroid lipofuscinosis. Last evaluated: 2021-10-31. Review status: criteria provided, single submitter. Criteria: Invitae Variant Classification Sherloc (09022015). Collection method: clinical testing. Allele origin: germline.
Comment: For these reasons, this variant has been classified as Pathogenic. This variant has not been reported in the literature in individuals affected with CLN3-related conditions. This variant is not present in population databases (gnomAD no frequency). This sequence change creates a premature translational stop signal (p.Gln237*) in the CLN3 gene. It is expected to result in an absent or disrupted protein product. Loss-of-function variants in CLN3 are known to be pathogenic (PMID: 9311735, 28542676).

Literature cited by the submitters: PubMed 9311735; PubMed 28542676.